The following is an entry in ClinVar:

ClinVar aggregate classification (germline): Uncertain significance (1 of 4 stars; one submission).

gnomAD v4.1: 11 of 1,614,076 alleles (0.00068%); highest among the groups gnomAD compares: Non-Finnish European, 0.00093%; no homozygotes.

Submission:

Labcorp Genetics (formerly Invitae), Labcorp
Classification: Uncertain significance. Last evaluated: 2025-03-16. Review status: criteria provided, single submitter. Criteria: Invitae Variant Classification Sherloc (09022015). Collection method: clinical testing. Allele origin: germline.
Comment: This sequence change replaces alanine, which is neutral and non-polar, with valine, which is neutral and non-polar, at codon 120 of the EFTUD2 protein (p.Ala120Val). This variant is present in population databases (rs201219248, gnomAD 0.002%). This variant has not been reported in the literature in individuals affected with EFTUD2-related conditions. Invitae Evidence Modeling of protein sequence and biophysical properties (such as structural, functional, and spatial information, amino acid conservation, physicochemical variation, residue mobility, and thermodynamic stability) indicates that this missense variant is not expected to disrupt EFTUD2 protein function with a negative predictive value of 80%. In summary, the available evidence is currently insufficient to determine the role of this variant in disease. Therefore, it has been classified as a Variant of Uncertain Significance.

NM_004247.4(EFTUD2):c.359C>T (p.Ala120Val)

Gene: EFTUD2 (elongation factor Tu GTP binding domain containing 2; minus strand). Cytogenetic location: 17q21.31.
Variant type: single nucleotide variant.
Coding change: c.359C>T on transcript NM_004247.4 (MANE Select); coding-DNA position 359, C replaced by T.
Protein change: p.Ala120Val; replaces alanine 120 with valine.
Molecular consequence: missense variant.
Genome position (GRCh38, 1-based): chr17:44,883,716, G>A on the plus strand (C>T on the coding strand, the complement: EFTUD2 is on the minus strand). VCF-style: chr17-44883716-G-A. GRCh37 (hg19) VCF-style: chr17-42961084-G-A.
Other names: c.254C>T, p.Ala85Val (NM_001142605.2); c.359C>T, p.Ala120Val (NM_001258353.2, NM_001258354.2); short protein forms A120V, A85V.
Identifiers: ClinVar variation 4755062 (VCV004755062.1).